The following is an entry in ClinVar:

NM_001317782.2(RPL8):c.500-8_500-6delinsTCCCT

Gene: RPL8 (ribosomal protein L8; minus strand). Cytogenetic location: 8q24.3.
Variant type: Indel.
Coding change: c.500-8_500-6delinsTCCCT on transcript NM_001317782.2 (MANE Select); 8 bases into the intron before coding-DNA position 500 through 6 bases into the intron before coding-DNA position 500, CCC replaced by TCCCT.
Molecular consequence: intron variant.
Genome position (GRCh38, 1-based): chr8:144,790,476-144,790,478, GGG replaced by AGGGA on the plus strand (CCC replaced by TCCCT on the coding strand, the reverse complement: RPL8 is on the minus strand). VCF-style: chr8-144790476-GGG-AGGGA. GRCh37 (hg19) VCF-style: chr8-146015861-GGG-AGGGA.
Other names: c.500-8_500-6delinsTCCCT (NM_000973.5, NM_001317771.2, NM_033301.3).
Identifiers: ClinVar variation 3602696 (VCV003602696.1).

ClinVar aggregate classification (germline): Uncertain significance (1 of 4 stars; one submission).

Conditions:
Diamond-Blackfan anemia. Also called: Blackfan Diamond syndrome; Aregenerative anemia chronic congenital; Red cell aplasia, pure hereditary; Congenital hypoplastic anemia; Aase syndrome. Identifiers: Orphanet 124, MedGen C1260899, MeSH D029503, MONDO:0015253, HP:0004810.

Submission:

St. Jude Molecular Pathology, St. Jude Children's Research Hospital
Classification: Uncertain significance for Diamond-Blackfan anemia. Last evaluated: 2024-11-11. Review status: criteria provided, single submitter. Criteria: St. Jude Assertion Criteria 2020. Collection method: clinical testing. Allele origin: germline.
Comment: The RPL8 c.500-8_500-6delinsTCCCT intronic change results from deletion of GG and insertion of CCC and insertion of TCCCT at the -6 position in the intron 4 of the RPL8 gene. Algorithms that predict the impact of sequence changes on splicing indicate that this change does not impact splicing, but these predictions have not been confirmed by RNA studies. This variant is absent in gnomAD v2.1.1. To our knowledge, this variant has not been reported in individuals with RPL8-associated conditions. In summary, the evidence currently available is insufficient to determine the clinical significance of this variant. It has therefore been classified as of uncertain significance.